The following is an entry in ClinVar:

NM_021942.6(TRAPPC11):c.421C>A (p.Gln141Lys)

Gene: TRAPPC11 (trafficking protein particle complex subunit 11; plus strand). Cytogenetic location: 4q35.1.
Variant type: single nucleotide variant.
Coding change: c.421C>A on transcript NM_021942.6 (MANE Select); coding-DNA position 421, C replaced by A.
Protein change: p.Gln141Lys; replaces glutamine 141 with lysine.
Molecular consequence: missense variant.
Genome position (GRCh38, 1-based): chr4:183,667,106, C>A. VCF-style: chr4-183667106-C-A. GRCh37 (hg19) VCF-style: chr4-184588259-C-A.
Other names: c.421C>A (NM_021942.4); c.421C>A, p.Gln141Lys (NM_199053.3); short protein forms Q141K.
Identifiers: ClinVar variation 860838 (VCV000860838.11), dbSNP rs1734921670, ClinGen allele CA358859261.
Genomic context (GRCh38, chr4:183,667,106, plus strand): 5'-CTTTTTCATTGCAGGCAAAGTTTACAAGGAAGAAACACAAAAGTTGCAGTGGTTCTGATT[C>A]AGAAGAAAACCCCTTTGCCCCCAGGTATCAGAAGTCTAATTAATGAATTAATTGTTTTAT-3'
Protein context (NP_068761.4, residues 131-151): RNTKVAVVLI[Gln141Lys]KKTPLPPGED

ClinVar aggregate classification (germline): Uncertain significance. Review status: criteria provided, multiple submitters, no conflicts (2 of 4 stars). 2 submissions from 2 submitters: Uncertain significance (2). Last evaluated 2025-07-02.

Conditions:
Inborn genetic diseases. Identifiers: MedGen C0950123, MeSH D030342.
Autosomal recessive limb-girdle muscular dystrophy type R18 (LGMDR18). Also called: Limb-girdle muscular dystrophy, type 2S; MUSCULAR DYSTROPHY, LIMB-GIRDLE, AUTOSOMAL RECESSIVE 18; Autosomal recessive limb-girdle muscular dystrophy type 2S. Identifiers: Orphanet 369840, MedGen C4517996, MONDO:0014144, OMIM 615356.

Submissions (2):

Ambry Genetics
Classification: Uncertain significance for Inborn genetic diseases. Last evaluated: 2025-07-02. Review status: criteria provided, single submitter. Criteria: Ambry Variant Classification Scheme 2023. Collection method: clinical testing. Allele origin: germline.

Labcorp Genetics (formerly Invitae), Labcorp
Classification: Uncertain significance for Autosomal recessive limb-girdle muscular dystrophy type R18. Last evaluated: 2022-02-24. Review status: criteria provided, single submitter. Criteria: Invitae Variant Classification Sherloc (09022015). Collection method: clinical testing. Allele origin: germline.
Comment: This sequence change replaces glutamine, which is neutral and polar, with lysine, which is basic and polar, at codon 141 of the TRAPPC11 protein (p.Gln141Lys). This variant is not present in population databases (gnomAD no frequency). This missense change has been observed in individual(s) with clinical features of TRAPPC11-related conditions (Invitae). ClinVar contains an entry for this variant (Variation ID: 860838). Algorithms developed to predict the effect of missense changes on protein structure and function are either unavailable or do not agree on the potential impact of this missense change (SIFT: "Deleterious"; PolyPhen-2: "Benign"; Align-GVGD: "Class C45"). In summary, the available evidence is currently insufficient to determine the role of this variant in disease. Therefore, it has been classified as a Variant of Uncertain Significance.